The following is an entry in ClinVar:

ClinVar aggregate classification (germline): Uncertain significance. Review status: criteria provided, multiple submitters, no conflicts (2 of 4 stars). 3 submissions from 3 submitters: Uncertain significance (3). Last evaluated 2026-07-02.

Conditions:
Fraser syndrome 1 (FRASRS1). Also called: CRYPTOPHTHALMOS WITH OTHER MALFORMATIONS. Identifiers: Orphanet 2052, MedGen C4551480, MONDO:0054737, OMIM 219000.
Inborn genetic diseases. Identifiers: MedGen C0950123, MeSH D030342.

gnomAD v4.1: 115 of 1,613,326 alleles (0.0071%); highest among the groups gnomAD compares: African/African-American, 0.11%; no homozygotes.

Submissions (3):

GeneDx
Classification: Uncertain significance. Last evaluated: 2026-07-02. Review status: criteria provided, single submitter. Criteria: GeneDx Variant Classification Process June 2021. Collection method: clinical testing. Allele origin: germline.
Comment: Has not been previously published as pathogenic or benign to our knowledge; In silico analysis supports that this missense variant has a deleterious effect on protein structure/function

Ambry Genetics
Classification: Uncertain significance for Inborn genetic diseases. Last evaluated: 2024-04-20. Review status: criteria provided, single submitter. Criteria: Ambry Variant Classification Scheme 2023. Collection method: clinical testing. Allele origin: germline.

Fulgent Genetics
Classification: Uncertain significance for Fraser syndrome 1. Last evaluated: 2024-03-19. Review status: criteria provided, single submitter. Criteria: ACMG Guidelines, 2015. Collection method: clinical testing. Allele origin: germline.

NM_025074.7(FRAS1):c.8233G>A (p.Gly2745Arg)

Gene: FRAS1 (Fraser extracellular matrix complex subunit 1; plus strand). Cytogenetic location: 4q21.21.
Variant type: single nucleotide variant.
Coding change: c.8233G>A on transcript NM_025074.7 (MANE Select); coding-DNA position 8233, G replaced by A.
Protein change: p.Gly2745Arg; replaces glycine 2745 with arginine.
Molecular consequence: missense variant.
Genome position (GRCh38, 1-based): chr4:78,479,508, G>A. VCF-style: chr4-78479508-G-A. GRCh37 (hg19) VCF-style: chr4-79400662-G-A.
Other names: short protein forms G2745R.
Identifiers: ClinVar variation 3279728 (VCV003279728.4).